The following is an entry in ClinVar:

NM_002691.4(POLD1):c.1495-15del

Gene: POLD1 (DNA polymerase delta 1, catalytic subunit; plus strand). Cytogenetic location: 19q13.33.
Variant type: Deletion.
Coding change: c.1495-15del on transcript NM_002691.4 (MANE Select); 15 bases into the intron before coding-DNA position 1495, one base deleted (C; older notation c.1495-15delC).
Molecular consequence: intron variant.
Genome position (GRCh38, 1-based): chr19:50,406,968, C deleted; the last of 2 consecutive C bases (chr19:50,406,967-50,406,968); deleting either gives the same sequence. VCF-style (leftmost placement, unchanged base first): chr19-50406966-TC-T. GRCh37 (hg19) VCF-style: chr19-50910223-TC-T.
Other names: c.1495-15del (NM_001256849.1, NM_001308632.1).
Identifiers: ClinVar variation 1952233 (VCV001952233.6), dbSNP rs2513999006, ClinGen allele CA2580097632.

ClinVar aggregate classification (germline): Likely benign. Review status: criteria provided, multiple submitters, no conflicts (2 of 4 stars). 2 submissions from 2 submitters: Likely benign (2). Last evaluated 2025-02-06.

Conditions:
POLD1-related polyposis and colorectal cancer syndrome (CRCS10). Also called: Colorectal cancer 10; COLORECTAL CANCER, SUSCEPTIBILITY TO, ON CHROMOSOME 19q; Colorectal cancer, susceptibility to, 10. Identifiers: Orphanet 220460, MedGen C2675481, MONDO:0012953, OMIM 612591.

Submissions (2):

Myriad Genetics, Inc.
Classification: Likely benign for POLD1-related polyposis and colorectal cancer syndrome. Last evaluated: 2025-02-06. Review status: criteria provided, single submitter. Criteria: Myriad Autosomal Dominant, Autosomal Recessive and X-Linked Classification Criteria (2023). Collection method: clinical testing. Allele origin: unknown.
Comment: This variant is considered likely benign. This variant is intronic and is not expected to impact mRNA splicing.

Labcorp Genetics (formerly Invitae), Labcorp
Classification: Likely benign for POLD1-related polyposis and colorectal cancer syndrome. Last evaluated: 2022-02-10. Review status: criteria provided, single submitter. Criteria: Invitae Variant Classification Sherloc (09022015). Collection method: clinical testing. Allele origin: germline.